The following is an entry in ClinVar:

ClinVar aggregate classification (germline): Uncertain significance. Review status: criteria provided, multiple submitters, no conflicts (2 of 4 stars). 2 submissions from 2 submitters: Uncertain significance (2). Last evaluated 2024-01-29.

Conditions:
Inborn genetic diseases. Identifiers: MedGen C0950123, MeSH D030342.
Alpha-N-acetylgalactosaminidase deficiency type 1. Also called: NAGA DEFICIENCY, TYPE I; NEUROAXONAL DYSTROPHY, SCHINDLER TYPE; SCHINDLER DISEASE, TYPE I; ALPHA-N-ACETYLGALACTOSAMINIDASE DEFICIENCY, TYPE I. Identifiers: Orphanet 3137, Orphanet 79279, Orphanet 79281, MedGen C1836544, MONDO:0012221, OMIM 609241.

Allele frequency attached by ClinVar (database versions not stated): TOPMed 0.00018.

Submissions (2):

Ambry Genetics
Classification: Uncertain significance for Inborn genetic diseases. Last evaluated: 2024-01-29. Review status: criteria provided, single submitter. Criteria: Ambry Variant Classification Scheme 2023. Collection method: clinical testing. Allele origin: germline.

Labcorp Genetics (formerly Invitae), Labcorp
Classification: Uncertain significance for Alpha-N-acetylgalactosaminidase deficiency type 1. Last evaluated: 2022-03-18. Review status: criteria provided, single submitter. Criteria: Invitae Variant Classification Sherloc (09022015). Collection method: clinical testing. Allele origin: germline.
Comment: This sequence change replaces aspartic acid, which is acidic and polar, with histidine, which is basic and polar, at codon 136 of the NAGA protein (p.Asp136His). This variant is present in population databases (rs186173534, gnomAD 0.05%). This variant has not been reported in the literature in individuals affected with NAGA-related conditions. ClinVar contains an entry for this variant (Variation ID: 658016). Algorithms developed to predict the effect of missense changes on protein structure and function are either unavailable or do not agree on the potential impact of this missense change (SIFT: "Deleterious"; PolyPhen-2: "Benign"; Align-GVGD: "Class C0"). In summary, the available evidence is currently insufficient to determine the role of this variant in disease. Therefore, it has been classified as a Variant of Uncertain Significance.

NM_000262.3(NAGA):c.406G>C (p.Asp136His)

Genes: NAGA (alpha-N-acetylgalactosaminidase; minus strand), LOC126863160 (CDK7 strongly-dependent group 2 enhancer GRCh37_chr22:42462918-42464117; plus strand). Cytogenetic location: 22q13.2.
Variant type: single nucleotide variant.
Coding change: c.406G>C on transcript NM_000262.3 (MANE Select); coding-DNA position 406, G replaced by C.
Protein change: p.Asp136His; replaces aspartic acid 136 with histidine.
Molecular consequence: missense variant.
Genome position (GRCh38, 1-based): chr22:42,067,209, C>G on the plus strand (G>C on the coding strand, the complement: NAGA is on the minus strand). VCF-style: chr22-42067209-C-G. GRCh37 (hg19) VCF-style: chr22-42463213-C-G.
Other names: c.406G>C, p.Asp136His (NM_001362848.1, NM_001362850.1); short protein forms D136H.
Identifiers: ClinVar variation 658016 (VCV000658016.7), dbSNP rs186173534, ClinGen allele CA10263833.
Genomic context (GRCh38, chr22:42,067,209, plus strand): 5'-CCAGCTTGAGCATGTCTACCTTCCACTCGGCGAAGGTCTGAGCATCCTGGACCACCTTGT[C>G]CAGTGTGGTGCCTGGGTAACCCATGCAGGTGAAGTTGCCCATGTCCGCGTAGATACCCAA-3'
Protein context (NP_000253.1, residues 126-146): TCMGYPGTTL[Asp136His]KVVQDAQTFA